The following is an entry in ClinVar:

NM_004415.4(DSP):c.6699C>T (p.Val2233=)

Gene: DSP (desmoplakin; plus strand). Cytogenetic location: 6p24.3.
Variant type: single nucleotide variant.
Coding change: c.6699C>T on transcript NM_004415.4 (MANE Select); coding-DNA position 6699, C replaced by T.
Protein change: p.Val2233=; no amino-acid change (valine 2233 retained).
Molecular consequence: synonymous variant.
Genome position (GRCh38, 1-based): chr6:7,583,961, C>T. VCF-style: chr6-7583961-C-T. GRCh37 (hg19) VCF-style: chr6-7584194-C-T.
Other names: c.4902C>T, p.Val1634= (NM_001008844.3); c.5370C>T, p.Val1790= (NM_001319034.2).
Identifiers: ClinVar variation 920414 (VCV000920414.10), dbSNP rs767835744, ClinGen allele CA133975189.
Genomic context (GRCh38, chr6:7,583,961, plus strand): 5'-CAGACAACCTGTGACCGTCACTGAGCTAGTAGATTCTGGTATATTGAGACCGTCCACTGT[C>T]AATGAACTGGAATCTGGTCAGATTTCTTATGACGAGGTTGGTGAGAGAATTAAGGACTTC-3'
Protein context (NP_004406.2, residues 2223-2243): VDSGILRPST[Val2233=]NELESGQISY

ClinVar aggregate classification (germline): Likely benign. Review status: criteria provided, multiple submitters, no conflicts (2 of 4 stars). 5 submissions from 5 submitters: Likely benign (5). Last evaluated 2026-01-26.

Conditions:
Cardiovascular phenotype. Identifiers: MedGen CN230736.
Arrhythmogenic cardiomyopathy with wooly hair and keratoderma. Also called: PALMOPLANTAR KERATODERMA WITH LEFT VENTRICULAR CARDIOMYOPATHY AND WOOLLY HAIR; Carvajal syndrome; Dilated cardiomyopathy with woolly hair and keratoderma; Arrhythmogenic cardiomyopathy with woolly hair and keratoderma. Identifiers: Orphanet 65282, MedGen C1854063, MONDO:0011581, OMIM 605676.
Arrhythmogenic right ventricular dysplasia 8 (ARVD8). Also called: Arrhythmogenic Right Ventricular Dysplasia/Cardiomyopathy 8; ARRHYTHMOGENIC RIGHT VENTRICULAR DYSPLASIA, FAMILIAL, 8; ARRHYTHMOGENIC RIGHT VENTRICULAR CARDIOMYOPATHY 8. Identifiers: MedGen C1843896, MONDO:0011831, OMIM 607450.
Cardiomyopathy (CMYO). Also called: Cardiomyopathies. Identifiers: Orphanet 167848, MedGen C0878544, MONDO:0004994, HP:0001638. Inheritance: Various modes of inheritance.

Allele frequency attached by ClinVar (database versions not stated): gnomAD 0.00001; gnomAD exomes 0.00001; TOPMed 0.00001.
gnomAD v4.1: 20 of 1,613,996 alleles (0.0012%); highest among the groups gnomAD compares: African/African-American, 0.0027%; no homozygotes.

Submissions (5):

Labcorp Genetics (formerly Invitae), Labcorp
Classification: Likely benign for Arrhythmogenic cardiomyopathy with wooly hair and keratoderma; Arrhythmogenic right ventricular dysplasia 8. Last evaluated: 2026-01-26. Review status: criteria provided, single submitter. Criteria: Invitae Variant Classification Sherloc (09022015). Collection method: clinical testing. Allele origin: germline.

All of Us Research Program, National Institutes of Health
Classification: Likely benign for Arrhythmogenic cardiomyopathy with wooly hair and keratoderma. Last evaluated: 2023-12-13. Review status: criteria provided, single submitter. Criteria: ACMG Guidelines, 2015. Collection method: clinical testing. Allele origin: germline. Inheritance: Autosomal dominant inheritance. Observed: 3 variant alleles, 3 heterozygotes.
Comment: This study involves interpretation of variants in research participants for the purpose of population health screening. Participant phenotype was not available at the time of variant classification. Additional details can be found in publication PMID: 35346344, PMCID: PMC8962531

Ambry Genetics
Classification: Likely benign for Cardiovascular phenotype. Last evaluated: 2022-03-21. Review status: criteria provided, single submitter. Criteria: Ambry Variant Classification Scheme 2023. Collection method: clinical testing. Allele origin: germline.

Color Diagnostics, LLC DBA Color Health
Classification: Likely benign for Cardiomyopathy. Last evaluated: 2018-12-16. Review status: criteria provided, single submitter. Criteria: ACMG Guidelines, 2015. Collection method: clinical testing. Allele origin: germline.

GeneDx
Classification: Likely benign. Last evaluated: 2018-11-07. Review status: criteria provided, single submitter. Criteria: GeneDx Variant Classification Process June 2021. Collection method: clinical testing. Allele origin: germline. Affected: yes.